The following is an entry in ClinVar:

NM_006206.6(PDGFRA):c.2014A>G (p.Ile672Val)

Gene: PDGFRA (platelet derived growth factor receptor alpha; plus strand). Cytogenetic location: 4q12.
Variant type: single nucleotide variant.
Coding change: c.2014A>G on transcript NM_006206.6 (MANE Select); coding-DNA position 2014, A replaced by G.
Protein change: p.Ile672Val; replaces isoleucine 672 with valine.
Molecular consequence: missense variant.
Genome position (GRCh38, 1-based): chr4:54,278,373, A>G. VCF-style: chr4-54278373-A-G. GRCh37 (hg19) VCF-style: chr4-55144540-A-G.
Other names: c.2014A>G, p.Ile672Val (NM_001347827.2, NM_001347829.2); c.2089A>G, p.Ile697Val (NM_001347828.2); c.2053A>G, p.Ile685Val (NM_001347830.2); short protein forms I672V, I697V, I685V.
Identifiers: ClinVar variation 846986 (VCV000846986.11), dbSNP rs1723872066, ClinGen allele CA356893842.

ClinVar aggregate classification (germline): Uncertain significance. Review status: criteria provided, multiple submitters, no conflicts (2 of 4 stars). 3 submissions from 3 submitters: Uncertain significance (3). Last evaluated 2024-03-06.

Conditions:
Hereditary cancer-predisposing syndrome. Also called: Neoplastic Syndromes, Hereditary; Tumor predisposition; Hereditary Cancer Syndrome; Hereditary neoplastic syndrome. Identifiers: Orphanet 140162, MedGen C0027672, MeSH D009386, MONDO:0015356.
Polyps, multiple and recurrent inflammatory fibroid, gastrointestinal. Identifiers: MedGen C5193005, MONDO:0008285, OMIM 175510.
Gastrointestinal stromal tumor. Also called: Gastrointestinal stromal tumor, somatic; Gastrointestinal stroma tumor. Identifiers: Orphanet 44890, MedGen C0238198, MeSH D046152, MONDO:0011719, OMIM 606764, HP:0100723.

Submissions (3):

Ambry Genetics
Classification: Uncertain significance for Hereditary cancer-predisposing syndrome. Last evaluated: 2024-03-06. Review status: criteria provided, single submitter. Criteria: Ambry Variant Classification Scheme 2023. Collection method: clinical testing. Allele origin: germline.
Comment: The p.I672V variant (also known as c.2014A>G), located in coding exon 14 of the PDGFRA gene, results from an A to G substitution at nucleotide position 2014. The isoleucine at codon 672 is replaced by valine, an amino acid with highly similar properties. This amino acid position is conserved. In addition, the in silico prediction for this alteration is inconclusive. Based on the available evidence, the clinical significance of this alteration remains unclear.

Baylor Genetics
Classification: Uncertain significance for Polyps, multiple and recurrent inflammatory fibroid, gastrointestinal. Last evaluated: 2023-07-19. Review status: criteria provided, single submitter. Criteria: ACMG Guidelines, 2015. Collection method: clinical testing. Allele origin: unknown.

Labcorp Genetics (formerly Invitae), Labcorp
Classification: Uncertain significance for Gastrointestinal stromal tumor. Last evaluated: 2022-08-16. Review status: criteria provided, single submitter. Criteria: Invitae Variant Classification Sherloc (09022015). Collection method: clinical testing. Allele origin: germline.
Comment: This variant is not present in population databases (gnomAD no frequency). This variant has not been reported in the literature in individuals affected with PDGFRA-related conditions. This sequence change replaces isoleucine, which is neutral and non-polar, with valine, which is neutral and non-polar, at codon 672 of the PDGFRA protein (p.Ile672Val). ClinVar contains an entry for this variant (Variation ID: 846986). In summary, the available evidence is currently insufficient to determine the role of this variant in disease. Therefore, it has been classified as a Variant of Uncertain Significance. Algorithms developed to predict the effect of missense changes on protein structure and function (SIFT, PolyPhen-2, Align-GVGD) all suggest that this variant is likely to be tolerated.